The following is an entry in ClinVar:

ClinVar aggregate classification (germline): Conflicting classifications of pathogenicity. Review status: criteria provided, conflicting classifications (1 of 4 stars). 4 submissions from 4 submitters: Uncertain significance (1); Likely benign (2). 1 of the submissions does not count toward it. Last evaluated 2025-12-10.

Conditions:
Cyclical neutropenia. Also called: Cyclic Neutropenia; Cyclic hematopoiesis. Identifiers: Orphanet 2686, MedGen C0221023, MONDO:0008090, OMIM 162800, HP:0040289. Disease mechanism: loss of function.
Neutropenia, severe congenital, 1, autosomal dominant. Identifiers: MedGen C1859966, MONDO:0042490, OMIM 202700.
Autoinflammatory syndrome. Identifiers: Orphanet 93665, MedGen C3890737, MONDO:0019751.
Inborn genetic diseases. Identifiers: MedGen C0950123, MeSH D030342.
ELANE-related disorder. Also called: ELANE-related condition.

Allele frequency attached by ClinVar (database versions not stated): gnomAD 0.00001; gnomAD exomes 0.00003; TOPMed 0.00003; ExAC 0.00005; ESP Exome Variant Server 0.00008.

Submissions (4):

Ambry Genetics
Classification: Likely benign for Inborn genetic diseases. Last evaluated: 2025-12-10. Review status: criteria provided, single submitter. Criteria: Ambry Variant Classification Scheme 2023. Collection method: clinical testing. Allele origin: germline.

Labcorp Genetics (formerly Invitae), Labcorp
Classification: Uncertain significance for Neutropenia, severe congenital, 1, autosomal dominant; Cyclical neutropenia. Last evaluated: 2022-11-08. Review status: criteria provided, single submitter. Criteria: Invitae Variant Classification Sherloc (09022015). Collection method: clinical testing. Allele origin: germline.
Comment: This sequence change replaces arginine, which is basic and polar, with glutamine, which is neutral and polar, at codon 258 of the ELANE protein (p.Arg258Gln). This variant is present in population databases (rs202234596, gnomAD 0.01%). ClinVar contains an entry for this variant (Variation ID: 1345307). This variant has not been reported in the literature in individuals affected with ELANE-related conditions. Advanced modeling of protein sequence and biophysical properties (such as structural, functional, and spatial information, amino acid conservation, physicochemical variation, residue mobility, and thermodynamic stability) performed at Invitae indicates that this missense variant is not expected to disrupt ELANE protein function. In summary, the available evidence is currently insufficient to determine the role of this variant in disease. Therefore, it has been classified as a Variant of Uncertain Significance.

Genome Diagnostics Laboratory, The Hospital for Sick Children
Classification: Likely benign for Autoinflammatory syndrome. Last evaluated: 2016-12-12. Review status: criteria provided, single submitter. Criteria: ACMG Guidelines, 2015. Collection method: clinical testing. Allele origin: germline. Affected: yes.

PreventionGenetics, part of Exact Sciences
Classification: Uncertain significance for ELANE-related condition. Last evaluated: 2023-10-28. Review status: no assertion criteria provided. Collection method: clinical testing. Allele origin: germline. Not counted in ClinVar's aggregate classification.
Comment: The ELANE c.773G>A variant is predicted to result in the amino acid substitution p.Arg258Gln. To our knowledge, this variant has not been reported in the literature. This variant is reported in 0.013% of alleles in individuals of South Asian descent in gnomAD. At this time, the clinical significance of this variant is uncertain due to the absence of conclusive functional and genetic evidence.

NM_001972.4(ELANE):c.773G>A (p.Arg258Gln)

Gene: ELANE (elastase, neutrophil expressed; plus strand). Cytogenetic location: 19p13.3.
Variant type: single nucleotide variant.
Coding change: c.773G>A on transcript NM_001972.4 (MANE Select); coding-DNA position 773, G replaced by A.
Protein change: p.Arg258Gln; replaces arginine 258 with glutamine.
Molecular consequence: missense variant.
Genome position (GRCh38, 1-based): chr19:856,133, G>A. VCF-style: chr19-856133-G-A. GRCh37 (hg19) VCF-style: chr19-856133-G-A.
Other names: c.773G>A (NM_001972.3); short protein forms R258Q.
Identifiers: ClinVar variation 1345307 (VCV001345307.15), dbSNP rs202234596, ClinGen allele CA9026160.